The following is an entry in ClinVar:

ClinVar aggregate classification (germline): Uncertain significance. Review status: criteria provided, multiple submitters, no conflicts (2 of 4 stars). 2 submissions from 2 submitters: Uncertain significance (2). Last evaluated 2023-12-05.

Conditions:
Familial adenomatous polyposis 1 (FAP1). Also called: POLYPOSIS, ADENOMATOUS INTESTINAL; FAMILIAL ADENOMATOUS POLYPOSIS 1, ATTENUATED. Identifiers: MedGen C2713442, MONDO:0021056, OMIM 175100. Disease mechanism: loss of function.
Hereditary cancer-predisposing syndrome. Also called: Hereditary Cancer Syndrome; Neoplastic Syndromes, Hereditary; Tumor predisposition; Hereditary neoplastic syndrome. Identifiers: Orphanet 140162, MedGen C0027672, MeSH D009386, MONDO:0015356.

Allele frequency attached by ClinVar (database versions not stated): gnomAD exomes below 0.00001.
gnomAD v4.1: 1 of 1,614,096 alleles (0.000062%); highest among the groups gnomAD compares: Non-Finnish European, 0.000085%; no homozygotes.

Submissions (2):

Color Diagnostics, LLC DBA Color Health
Classification: Uncertain significance for Hereditary cancer-predisposing syndrome. Last evaluated: 2023-12-05. Review status: criteria provided, single submitter. Criteria: ACMG Guidelines, 2015. Collection method: clinical testing. Allele origin: germline.
Comment: This missense variant replaces valine with isoleucine at codon 800 of the APC protein. Computational prediction suggests that this variant may not impact protein structure and function (internally defined REVEL score threshold <= 0.5, PMID: 27666373). To our knowledge, functional studies have not been reported for this variant. This variant has not been reported in individuals affected with APC-related disorders in the literature. This variant has not been identified in the general population by the Genome Aggregation Database (gnomAD). The available evidence is insufficient to determine the role of this variant in disease conclusively. Therefore, this variant is classified as a Variant of Uncertain Significance.

Labcorp Genetics (formerly Invitae), Labcorp
Classification: Uncertain significance for Familial adenomatous polyposis 1. Last evaluated: 2023-07-16. Review status: criteria provided, single submitter. Criteria: Invitae Variant Classification Sherloc (09022015). Collection method: clinical testing. Allele origin: germline.
Comment: In summary, the available evidence is currently insufficient to determine the role of this variant in disease. Therefore, it has been classified as a Variant of Uncertain Significance. Advanced modeling of protein sequence and biophysical properties (such as structural, functional, and spatial information, amino acid conservation, physicochemical variation, residue mobility, and thermodynamic stability) performed at Invitae indicates that this missense variant is not expected to disrupt APC protein function. ClinVar contains an entry for this variant (Variation ID: 489421). This variant has not been reported in the literature in individuals affected with APC-related conditions. This variant is not present in population databases (gnomAD no frequency). This sequence change replaces valine, which is neutral and non-polar, with isoleucine, which is neutral and non-polar, at codon 800 of the APC protein (p.Val800Ile).

NM_000038.6(APC):c.2398G>A (p.Val800Ile)

Gene: APC (APC regulator of Wnt signaling pathway; plus strand). Cytogenetic location: 5q22.2.
Variant type: single nucleotide variant.
Coding change: c.2398G>A on transcript NM_000038.6 (MANE Select); coding-DNA position 2398, G replaced by A.
Protein change: p.Val800Ile; replaces valine 800 with isoleucine.
Molecular consequence: missense variant.
Genome position (GRCh38, 1-based): chr5:112,837,992, G>A. VCF-style: chr5-112837992-G-A. GRCh37 (hg19) VCF-style: chr5-112173689-G-A.
Other names: c.2398G>A, p.Val800Ile (NM_001127510.3, NM_001354895.2); c.2344G>A, p.Val782Ile (NM_001127511.3); c.2452G>A, p.Val818Ile (NM_001354896.2); c.2428G>A, p.Val810Ile (NM_001354897.2); c.2323G>A, p.Val775Ile (NM_001354898.2); c.2314G>A, p.Val772Ile (NM_001354899.2); c.2275G>A, p.Val759Ile (NM_001354900.2); c.2221G>A, p.Val741Ile (NM_001354901.2); and 5 more; short protein forms V782I, V800I, V741I, V517I, V772I, V640I, V699I, V759I.
Identifiers: ClinVar variation 489421 (VCV000489421.11), dbSNP rs1554084131, ClinGen allele CA16026601.